The following is an entry in ClinVar:

NM_031475.3(ESPN):c.1264C>T (p.Arg422Trp)

Gene: ESPN (espin; plus strand). Cytogenetic location: 1p36.31.
Variant type: single nucleotide variant.
Coding change: c.1264C>T on transcript NM_031475.3 (MANE Select); coding-DNA position 1264, C replaced by T.
Protein change: p.Arg422Trp; replaces arginine 422 with tryptophan.
Molecular consequence: missense variant.
Genome position (GRCh38, 1-based): chr1:6,445,735, C>T. VCF-style: chr1-6445735-C-T. GRCh37 (hg19) VCF-style: chr1-6505795-C-T.
Other names: c.1264C>T, p.Arg422Trp (NM_001367473.1, NM_001367474.1); short protein forms R422W.
Identifiers: ClinVar variation 1228456 (VCV001228456.12), dbSNP rs143439475, ClinGen allele CA560170.

ClinVar aggregate classification (germline): Benign/Likely benign. Review status: criteria provided, multiple submitters, no conflicts (2 of 4 stars). 4 submissions from 4 submitters: Benign (2); Likely benign (1). 1 of the submissions does not count toward it. Last evaluated 2025-09-27.

Conditions:
ESPN-related disorder. Also called: ESPN-related condition.

Allele frequency attached by ClinVar (database versions not stated): gnomAD exomes 0.00049; ExAC 0.00078; gnomAD 0.00211 and 0.00234; 1000 Genomes Project 0.00240; TOPMed 0.00243; ESP Exome Variant Server 0.00254; 1000 Genomes Project 30x 0.00265.

Submissions (4):

Labcorp Genetics (formerly Invitae), Labcorp
Classification: Benign. Last evaluated: 2025-09-27. Review status: criteria provided, single submitter. Criteria: Invitae Variant Classification Sherloc (09022015). Collection method: clinical testing. Allele origin: germline.

Blueprint Genetics
Classification: Likely benign. Last evaluated: 2023-10-21. Review status: criteria provided, single submitter. Criteria: ACMG Guidelines, 2015. Collection method: clinical testing. Allele origin: germline.

GeneDx
Classification: Benign. Last evaluated: 2018-10-22. Review status: criteria provided, single submitter. Criteria: GeneDx Variant Classification Process June 2021. Collection method: clinical testing. Allele origin: germline. Affected: yes.

PreventionGenetics, part of Exact Sciences
Classification: Benign for ESPN-related condition. Last evaluated: 2024-09-04. Review status: no assertion criteria provided. Collection method: clinical testing. Allele origin: germline. Not counted in ClinVar's aggregate classification.
Comment: This variant is classified as benign based on ACMG/AMP sequence variant interpretation guidelines (Richards et al. 2015 PMID: 25741868, with internal and published modifications).